The following is an entry in ClinVar:

NM_016507.4(CDK12):c.4375T>A (p.Trp1459Arg)

Gene: CDK12 (cyclin dependent kinase 12; plus strand). Cytogenetic location: 17q12.
Variant type: single nucleotide variant.
Coding change: c.4375T>A on transcript NM_016507.4 (MANE Select); coding-DNA position 4375, T replaced by A.
Protein change: p.Trp1459Arg; replaces tryptophan 1459 with arginine.
Molecular consequence: missense variant.
Genome position (GRCh38, 1-based): chr17:39,531,218, T>A. VCF-style: chr17-39531218-T-A. GRCh37 (hg19) VCF-style: chr17-37687471-T-A.
Other names: c.4348T>A, p.Trp1450Arg (NM_015083.4); short protein forms W1459R, W1450R.
Identifiers: ClinVar variation 4224414 (VCV004224414.1).
Genomic context (GRCh38, chr17:39,531,218, plus strand): 5'-AACTATGGGGAGCTGGGGCCAGGAACCACTGGGGCCAGCAGCTCAGGAGCAGGCCTTCAC[T>A]GGGGGGGCCCAACTCAGTCTTCTGCTTATGGAAAACTCTATCGGGGGCCTACAAGAGTCC-3'
Protein context (NP_057591.2, residues 1449-1469): GASSSGAGLH[Trp1459Arg]GGPTQSSAYG

ClinVar aggregate classification (germline): Uncertain significance (1 of 4 stars; one submission).

Submission:

Ambry Genetics
Classification: Uncertain significance. Last evaluated: 2025-08-23. Review status: criteria provided, single submitter. Criteria: Ambry Variant Classification Scheme 2023. Collection method: clinical testing. Allele origin: germline.
Comment: The p.W1459R variant (also known as c.4375T>A), located in coding exon 14 of the CDK12 gene, results from a T to A substitution at nucleotide position 4375. The tryptophan at codon 1459 is replaced by arginine, an amino acid with dissimilar properties. This amino acid position is conserved. In addition, this alteration is predicted to be deleterious by in silico analysis. Based on the available evidence, the clinical significance of this variant remains unclear.